The following is an entry in ClinVar:

ClinVar aggregate classification (germline): Uncertain significance (1 of 4 stars; one submission).

Conditions:
Hyper-IgE recurrent infection syndrome 1, autosomal dominant. Also called: STAT3 Hyper IgE Syndrome; Hyper-IgE recurrent infection syndrome 1; Job's Syndrome; HYPER-IgE SYNDROME 1, AUTOSOMAL DOMINANT, WITH RECURRENT INFECTIONS; JOB SYNDROME. Identifiers: Orphanet 2314, MedGen C2936739, MONDO:0007818, OMIM 147060.
STAT3 gain of function. Identifiers: MedGen C4288261.

Allele frequency attached by ClinVar (database versions not stated): gnomAD exomes below 0.00001.
gnomAD v4.1: 1 of 1,614,142 alleles (0.000062%); highest among the groups gnomAD compares: Admixed American, 0.0017%; no homozygotes.

Submission:

Labcorp Genetics (formerly Invitae), Labcorp
Classification: Uncertain significance for STAT3 gain of function; Hyper-IgE recurrent infection syndrome 1, autosomal dominant. Last evaluated: 2021-12-19. Review status: criteria provided, single submitter. Criteria: Invitae Variant Classification Sherloc (09022015). Collection method: clinical testing. Allele origin: germline.
Comment: This variant has not been reported in the literature in individuals affected with STAT3-related conditions. This sequence change replaces alanine, which is neutral and non-polar, with threonine, which is neutral and polar, at codon 134 of the STAT3 protein (p.Ala134Thr). This variant is not present in population databases (gnomAD no frequency). Advanced modeling of protein sequence and biophysical properties (such as structural, functional, and spatial information, amino acid conservation, physicochemical variation, residue mobility, and thermodynamic stability) performed at Invitae indicates that this missense variant is not expected to disrupt STAT3 protein function. In summary, the available evidence is currently insufficient to determine the role of this variant in disease. Therefore, it has been classified as a Variant of Uncertain Significance.

NM_139276.3(STAT3):c.400G>A (p.Ala134Thr)

Gene: STAT3 (signal transducer and activator of transcription 3; minus strand). Cytogenetic location: 17q21.2.
Variant type: single nucleotide variant.
Coding change: c.400G>A on transcript NM_139276.3 (MANE Select); coding-DNA position 400, G replaced by A.
Protein change: p.Ala134Thr; replaces alanine 134 with threonine.
Molecular consequence: missense variant. On other transcripts: intron variant (1).
Genome position (GRCh38, 1-based): chr17:42,339,382, C>T on the plus strand (G>A on the coding strand, the complement: STAT3 is on the minus strand). VCF-style: chr17-42339382-C-T. GRCh37 (hg19) VCF-style: chr17-40491400-C-T.
Other names: c.400G>A, p.Ala134Thr (NM_001369512.1, NM_001369513.1, NM_001369514.1 and 15 more transcripts); c.322G>A, p.Ala108Thr (NM_001384985.1); c.373-570G>A (NM_001384989.1); short protein forms A134T, A108T.
Identifiers: ClinVar variation 2167106 (VCV002167106.4), dbSNP rs2082349423, ClinGen allele CA399595181.